The following is an entry in ClinVar:

ClinVar aggregate classification (germline): Uncertain significance (1 of 4 stars; one submission).

Conditions:
T-cell immunodeficiency, congenital alopecia, and nail dystrophy. Also called: Congenital alopecia and nail dystrophy associated with severe functional T-cell immunodeficiency; Pignata Guarino syndrome. Identifiers: Orphanet 169095, MedGen C1866426, MONDO:0011132, OMIM 601705.

Allele frequency attached by ClinVar (database versions not stated): gnomAD exomes 0.00001; TOPMed 0.00001; gnomAD 0.00002.
gnomAD v4.1: 14 of 1,613,792 alleles (0.00087%); highest among the groups gnomAD compares: African/African-American, 0.0027%; no homozygotes.

Submission:

Labcorp Genetics (formerly Invitae), Labcorp
Classification: Uncertain significance for T-cell immunodeficiency, congenital alopecia, and nail dystrophy. Last evaluated: 2023-11-06. Review status: criteria provided, single submitter. Criteria: Invitae Variant Classification Sherloc (09022015). Collection method: clinical testing. Allele origin: germline.
Comment: This sequence change replaces methionine, which is neutral and non-polar, with threonine, which is neutral and polar, at codon 571 of the FOXN1 protein (p.Met571Thr). This variant is not present in population databases (gnomAD no frequency). This variant has not been reported in the literature in individuals affected with FOXN1-related conditions. An algorithm developed to predict the effect of missense changes on protein structure and function (PolyPhen-2) suggests that this variant is likely to be tolerated. In summary, the available evidence is currently insufficient to determine the role of this variant in disease. Therefore, it has been classified as a Variant of Uncertain Significance.

NM_001369369.1(FOXN1):c.1712T>C (p.Met571Thr)

Gene: FOXN1 (forkhead box N1; plus strand). Cytogenetic location: 17q11.2.
Variant type: single nucleotide variant.
Coding change: c.1712T>C on transcript NM_001369369.1 (MANE Select); coding-DNA position 1712, T replaced by C.
Protein change: p.Met571Thr; replaces methionine 571 with threonine.
Molecular consequence: missense variant.
Genome position (GRCh38, 1-based): chr17:28,537,201, T>C. VCF-style: chr17-28537201-T-C. GRCh37 (hg19) VCF-style: chr17-26864219-T-C.
Other names: c.1712T>C, p.Met571Thr (NM_003593.3); short protein forms M571T.
Identifiers: ClinVar variation 2711926 (VCV002711926.3), dbSNP rs1041116525, ClinGen allele CA289121381.